The following is an entry in ClinVar:

NM_006161.3(NEUROG1):c.298C>A (p.Arg100Ser)

Gene: NEUROG1 (neurogenin 1; minus strand). Cytogenetic location: 5q31.1.
Variant type: single nucleotide variant.
Coding change: c.298C>A on transcript NM_006161.3 (MANE Select); coding-DNA position 298, C replaced by A.
Protein change: p.Arg100Ser; replaces arginine 100 with serine.
Molecular consequence: missense variant.
Genome position (GRCh38, 1-based): chr5:135,535,393, G>T on the plus strand (C>A on the coding strand, the complement: NEUROG1 is on the minus strand). VCF-style: chr5-135535393-G-T. GRCh37 (hg19) VCF-style: chr5-134871083-G-T.
Other names: short protein forms R100S.
Identifiers: ClinVar variation 4526418 (VCV004526418.1).

ClinVar aggregate classification (germline): Likely pathogenic (1 of 4 stars; one submission).

Conditions:
Cranial dysinnervation disorder, congenital, with absent corneal reflex and developmental delay (CCDDRD). Identifiers: MedGen C5882675, MONDO:0957563, OMIM 620469.

Submission:

Department of Human Genetics, SALK University Hospital, Paracelsus Medical University Salzburg
Classification: Likely pathogenic for Cranial dysinnervation disorder, congenital, with absent corneal reflex and developmental delay. Last evaluated: 2025-11-03. Review status: criteria provided, single submitter. Criteria: ACMG Guidelines, 2015. Collection method: clinical testing. Allele origin: biparental. Inheritance: Autosomal recessive inheritance. Affected: yes.
Comment: The predicted effect of the NEUROG1-Missense-Variant c.298C>A is the amino acid exchange at position 100 from Arginine to Serine (p.(Arg100Ser)). The variant was not found in the population database gnomAD (v4.1.0). The following ACMG criteria were applied in classifying this variant: PP4, PP3, PM2. This variant scored 7 points (7P-0B) using the point system described in PMID:32720330.

Literature cited by the submitters: PubMed 33439489; PubMed 36647078; PubMed 32720330.